The following is an entry in ClinVar:

ClinVar aggregate classification (germline): Uncertain significance. Review status: criteria provided, multiple submitters, no conflicts (2 of 4 stars). 2 submissions from 2 submitters: Uncertain significance (2). Last evaluated 2026-04-01.

Conditions:
Inborn genetic diseases. Identifiers: MedGen C0950123, MeSH D030342.

Allele frequency attached by ClinVar (database versions not stated): gnomAD exomes below 0.00001.

Submissions (2):

Ambry Genetics
Classification: Uncertain significance for Inborn genetic diseases. Last evaluated: 2026-04-01. Review status: criteria provided, single submitter. Criteria: Ambry Variant Classification Scheme 2023. Collection method: clinical testing. Allele origin: germline.

Labcorp Genetics (formerly Invitae), Labcorp
Classification: Uncertain significance. Last evaluated: 2023-08-01. Review status: criteria provided, single submitter. Criteria: Invitae Variant Classification Sherloc (09022015). Collection method: clinical testing. Allele origin: germline.
Comment: In summary, the available evidence is currently insufficient to determine the role of this variant in disease. Therefore, it has been classified as a Variant of Uncertain Significance. Advanced modeling of protein sequence and biophysical properties (such as structural, functional, and spatial information, amino acid conservation, physicochemical variation, residue mobility, and thermodynamic stability) has been performed at Invitae for this missense variant, however the output from this modeling did not meet the statistical confidence thresholds required to predict the impact of this variant on ADCY5 protein function. This variant has not been reported in the literature in individuals affected with ADCY5-related conditions. This variant is not present in population databases (gnomAD no frequency). This sequence change replaces arginine, which is basic and polar, with cysteine, which is neutral and slightly polar, at codon 154 of the ADCY5 protein (p.Arg154Cys).

NM_183357.3(ADCY5):c.460C>T (p.Arg154Cys)

Gene: ADCY5 (adenylate cyclase 5; minus strand). Cytogenetic location: 3q21.1.
Variant type: single nucleotide variant.
Coding change: c.460C>T on transcript NM_183357.3 (MANE Select); coding-DNA position 460, C replaced by T.
Protein change: p.Arg154Cys; replaces arginine 154 with cysteine.
Molecular consequence: missense variant.
Genome position (GRCh38, 1-based): chr3:123,448,086, G>A on the plus strand (C>T on the coding strand, the complement: ADCY5 is on the minus strand). VCF-style: chr3-123448086-G-A. GRCh37 (hg19) VCF-style: chr3-123166933-G-A.
Other names: c.460C>T (NM_183357.2); c.460C>T, p.Arg154Cys (NM_001378259.1); short protein forms R154C.
Identifiers: ClinVar variation 2978694 (VCV002978694.4), dbSNP rs1462345660, ClinGen allele CA354357823.